The following is an entry in ClinVar:

NM_001161352.2(KCNMA1):c.670T>C (p.Phe224Leu)

Gene: KCNMA1 (potassium calcium-activated channel subfamily M alpha 1; minus strand). Cytogenetic location: 10q22.3.
Variant type: single nucleotide variant.
Coding change: c.670T>C on transcript NM_001161352.2 (MANE Select); coding-DNA position 670, T replaced by C.
Protein change: p.Phe224Leu; replaces phenylalanine 224 with leucine.
Molecular consequence: missense variant.
Genome position (GRCh38, 1-based): chr10:77,184,849, A>G on the plus strand (T>C on the coding strand, the complement: KCNMA1 is on the minus strand). VCF-style: chr10-77184849-A-G. GRCh37 (hg19) VCF-style: chr10-78944607-A-G.
Other names: c.670T>C, p.Phe224Leu (NM_001014797.3, NM_001161353.2, NM_001271519.2 and 7 more transcripts); c.508T>C, p.Phe170Leu (NM_001271518.2); c.130T>C, p.Phe44Leu (NM_001322838.2); short protein forms F170L, F224L, F44L.
Identifiers: ClinVar variation 1313017 (VCV001313017.2), dbSNP rs2154127757, ClinGen allele CA377410590.

ClinVar aggregate classification (germline): Uncertain significance (1 of 4 stars; one submission).

Submission:

GeneDx
Classification: Uncertain significance. Last evaluated: 2020-07-09. Review status: criteria provided, single submitter. Criteria: GeneDx Variant Classification Process June 2021. Collection method: clinical testing. Allele origin: germline. Affected: yes.
Comment: Not observed in large population cohorts (Lek et al., 2016); In silico analysis supports that this missense variant has a deleterious effect on protein structure/function; Has not been previously published as pathogenic or benign to our knowledge